The following is an entry in ClinVar:

ClinVar aggregate classification (germline): Uncertain significance. Review status: criteria provided, multiple submitters, no conflicts (2 of 4 stars). 4 submissions from 4 submitters: Uncertain significance (4). Last evaluated 2026-03-12.

Conditions:
Inborn genetic diseases. Identifiers: MedGen C0950123, MeSH D030342.
SZT2-related disorder. Also called: SZT2-related condition.

Allele frequency attached by ClinVar (database versions not stated): ExAC 0.00001; gnomAD 0.00001; gnomAD exomes 0.00001; TOPMed 0.00001.
gnomAD v4.1: 16 of 1,595,262 alleles (0.001%); highest among the groups gnomAD compares: Middle Eastern, 0.049%; 1 homozygote.

Submissions (4):

PreventionGenetics, part of Exact Sciences
Classification: Uncertain significance for SZT2-related condition. Last evaluated: 2026-03-12. Review status: criteria provided, single submitter. Criteria: ACMG Guidelines, 2015. Collection method: clinical testing. Allele origin: germline.
Comment: The SZT2 c.2068C>T variant is predicted to result in the amino acid substitution p.Arg690Trp. To our knowledge, this variant has not been reported in the literature. This variant is reported in 0.0034% of alleles in individuals of South Asian descent in gnomAD. At this time, the clinical significance of this variant is uncertain due to the absence of conclusive functional and genetic evidence.

Ambry Genetics
Classification: Uncertain significance for Inborn genetic diseases. Last evaluated: 2025-09-03. Review status: criteria provided, single submitter. Criteria: Ambry Variant Classification Scheme 2023. Collection method: clinical testing. Allele origin: germline.
Comment: The c.2068C>T (p.R690W) alteration is located in exon 15 (coding exon 15) of the SZT2 gene. This alteration results from a C to T substitution at nucleotide position 2068, causing the arginine (R) at amino acid position 690 to be replaced by a tryptophan (W). Based on data from gnomAD, this allele has an overall frequency of 0.001% (3/226172) total alleles studied. The highest observed frequency was 0.003% (1/29524) of South Asian alleles. This amino acid position is not well conserved in available vertebrate species. This alteration is predicted to be tolerated by in silico analysis. Based on insufficient or conflicting evidence, the clinical significance of this alteration remains unclear.

Athena Diagnostics
Classification: Uncertain significance. Last evaluated: 2024-10-07. Review status: criteria provided, single submitter. Criteria: Athena Diagnostics Criteria. Collection method: clinical testing. Allele origin: unknown.
Comment: Available data are insufficient to determine the clinical significance of the variant at this time. The frequency of this variant in the general population is uninformative in assessment of its pathogenicity. Polyphen and MutationTaster predict this amino acid change may be benign.

Labcorp Genetics (formerly Invitae), Labcorp
Classification: Uncertain significance. Last evaluated: 2022-11-21. Review status: criteria provided, single submitter. Criteria: Invitae Variant Classification Sherloc (09022015). Collection method: clinical testing. Allele origin: germline.
Comment: This variant has not been reported in the literature in individuals affected with SZT2-related conditions. In summary, the available evidence is currently insufficient to determine the role of this variant in disease. Therefore, it has been classified as a Variant of Uncertain Significance. Advanced modeling of protein sequence and biophysical properties (such as structural, functional, and spatial information, amino acid conservation, physicochemical variation, residue mobility, and thermodynamic stability) performed at Invitae indicates that this missense variant is not expected to disrupt SZT2 protein function. ClinVar contains an entry for this variant (Variation ID: 1384277). The frequency data for this variant in the population databases is considered unreliable, as metrics indicate poor data quality at this position in the gnomAD database. This sequence change replaces arginine, which is basic and polar, with tryptophan, which is neutral and slightly polar, at codon 690 of the SZT2 protein (p.Arg690Trp).

NM_001365999.1(SZT2):c.2068C>T (p.Arg690Trp)

Gene: SZT2 (SZT2 subunit of KICSTOR complex; plus strand). Cytogenetic location: 1p34.2.
Variant type: single nucleotide variant.
Coding change: c.2068C>T on transcript NM_001365999.1 (MANE Select); coding-DNA position 2068, C replaced by T.
Protein change: p.Arg690Trp; replaces arginine 690 with tryptophan.
Molecular consequence: missense variant.
Genome position (GRCh38, 1-based): chr1:43,423,129, C>T. VCF-style: chr1-43423129-C-T. GRCh37 (hg19) VCF-style: chr1-43888800-C-T.
Other names: c.2068C>T, p.Arg690Trp (NM_015284.4); c.2068C>T (NM_015284.3); short protein forms R690W.
Identifiers: ClinVar variation 1384277 (VCV001384277.9), dbSNP rs780273983, ClinGen allele CA808606.
Genomic context (GRCh38, chr1:43,423,129, plus strand): 5'-TAAGAGGATGTGACCACATTTTCCCCTCAGATTGTGTCAGGCTTGAGGGAAGAGATCCTG[C>T]GGCTGCGTTTCCCCCACCGGGTACAAAGCAAGGAGCCAACGCCCAAGGTGAAACGAAAAG-3'
Protein context (NP_001352928.1, residues 680-700): IVSGLREEIL[Arg690Trp]LRFPHRVQSK